The following is an entry in ClinVar:

ClinVar aggregate classification (germline): Pathogenic (1 of 4 stars; one submission).

Submission:

GeneDx
Classification: Pathogenic. Last evaluated: 2026-04-06. Review status: criteria provided, single submitter. Criteria: GeneDx Variant Classification Process June 2021. Collection method: clinical testing. Allele origin: germline.
Comment: Frameshift variant predicted to result in protein truncation or nonsense mediated decay in a gene for which loss of function is a known mechanism of disease; Not observed at significant frequency in large population cohorts (gnomAD); Has not been previously published as pathogenic or benign to our knowledge

NM_005445.4(SMC3):c.2879_2880del (p.Leu960fs)

Gene: SMC3 (structural maintenance of chromosomes 3; plus strand). Cytogenetic location: 10q25.2.
Variant type: Deletion.
Coding change: c.2879_2880del on transcript NM_005445.4 (MANE Select); coding-DNA positions 2879 to 2880, 2 bases deleted (TG; older notation c.2879_2880delTG).
Protein change: p.Leu960fs; shifts the reading frame from leucine 960.
Molecular consequence: frameshift variant.
Genome position (GRCh38, 1-based): chr10:110,601,871-110,601,872, TG deleted. VCF-style (leftmost placement, unchanged base first): chr10-110601870-CTG-C. GRCh37 (hg19) VCF-style: chr10-112361628-CTG-C.
Other names: c.2879_2880delTG, p.Leu960Glnfs (NM_005445.3); short protein forms L960fs.
Identifiers: ClinVar variation 5016877 (VCV005016877.1).